The following is an entry in ClinVar:

ClinVar aggregate classification (germline): Uncertain significance (1 of 4 stars; one submission).

Conditions:
Dilated cardiomyopathy 1Z (CMD1Z). Identifiers: Orphanet 154, MedGen C2678475, MONDO:0012745, OMIM 611879.
Hypertrophic cardiomyopathy 13. Also called: TNNC1-Related Familial Hypertrophic Cardiomyopathy. Identifiers: MedGen C2750472, MONDO:0013195, OMIM 613243.

Allele frequency attached by ClinVar (database versions not stated): gnomAD exomes 0.00001.
gnomAD v4.1: 7 of 1,614,008 alleles (0.00043%); highest among the groups gnomAD compares: Non-Finnish European, 0.00059%; no homozygotes.

Submission:

Labcorp Genetics (formerly Invitae), Labcorp
Classification: Uncertain significance for Hypertrophic cardiomyopathy 13; Dilated cardiomyopathy 1Z. Last evaluated: 2022-02-07. Review status: criteria provided, single submitter. Criteria: Invitae Variant Classification Sherloc (09022015). Collection method: clinical testing. Allele origin: germline.
Comment: In summary, the available evidence is currently insufficient to determine the role of this variant in disease. Therefore, it has been classified as a Variant of Uncertain Significance. Algorithms developed to predict the effect of sequence changes on RNA splicing suggest that this variant may create or strengthen a splice site. This variant has not been reported in the literature in individuals affected with TNNC1-related conditions. This variant is not present in population databases (gnomAD no frequency). This sequence change affects codon 102 of the TNNC1 mRNA. It is a 'silent' change, meaning that it does not change the encoded amino acid sequence of the TNNC1 protein.

NM_003280.3(TNNC1):c.306C>T (p.Arg102=)

Gene: TNNC1 (troponin C1, slow skeletal and cardiac type; minus strand). Cytogenetic location: 3p21.1.
Variant type: single nucleotide variant.
Coding change: c.306C>T on transcript NM_003280.3 (MANE Select); coding-DNA position 306, C replaced by T.
Protein change: p.Arg102=; no amino-acid change (arginine 102 retained).
Molecular consequence: synonymous variant.
Genome position (GRCh38, 1-based): chr3:52,451,755, G>A on the plus strand (C>T on the coding strand, the complement: TNNC1 is on the minus strand). VCF-style: chr3-52451755-G-A. GRCh37 (hg19) VCF-style: chr3-52485771-G-A.
Identifiers: ClinVar variation 2186794 (VCV002186794.4), dbSNP rs1578264011, ClinGen allele CA433886772.